The following is an entry in ClinVar:

ClinVar aggregate classification (germline): Likely benign. Review status: criteria provided, multiple submitters, no conflicts (2 of 4 stars). 3 submissions from 3 submitters: Likely benign (3). Last evaluated 2025-02-02.

Conditions:
Hereditary cancer-predisposing syndrome. Also called: Hereditary neoplastic syndrome; Tumor predisposition; Neoplastic Syndromes, Hereditary; Hereditary Cancer Syndrome. Identifiers: Orphanet 140162, MedGen C0027672, MeSH D009386, MONDO:0015356.
POLD1-related polyposis and colorectal cancer syndrome (CRCS10). Also called: Colorectal cancer, susceptibility to, 10; Colorectal cancer 10; COLORECTAL CANCER, SUSCEPTIBILITY TO, ON CHROMOSOME 19q. Identifiers: Orphanet 220460, MedGen C2675481, MONDO:0012953, OMIM 612591.

Allele frequency attached by ClinVar (database versions not stated): gnomAD exomes below 0.00001; TOPMed below 0.00001.

Submissions (3):

Labcorp Genetics (formerly Invitae), Labcorp
Classification: Likely benign for POLD1-related polyposis and colorectal cancer syndrome. Last evaluated: 2025-02-02. Review status: criteria provided, single submitter. Criteria: Invitae Variant Classification Sherloc (09022015). Collection method: clinical testing. Allele origin: germline.

CeGaT Center for Human Genetics Tuebingen
Classification: Likely benign. Last evaluated: 2022-09-01. Review status: criteria provided, single submitter. Criteria: CeGaT Center For Human Genetics Tuebingen Variant Classification Criteria Version 2. Collection method: clinical testing. Allele origin: germline. Affected: yes. Observed: 1 variant allele.
Comment: POLD1: BP4, BP7

Ambry Genetics
Classification: Likely benign for Hereditary cancer-predisposing syndrome. Last evaluated: 2016-03-07. Review status: criteria provided, single submitter. Criteria: Ambry Variant Classification Scheme 2023. Collection method: clinical testing. Allele origin: germline.

NM_002691.4(POLD1):c.3288G>T (p.Leu1096=)

Gene: POLD1 (DNA polymerase delta 1, catalytic subunit; plus strand). Cytogenetic location: 19q13.33.
Variant type: single nucleotide variant.
Coding change: c.3288G>T on transcript NM_002691.4 (MANE Select); coding-DNA position 3288, G replaced by T.
Protein change: p.Leu1096=; no amino-acid change (leucine 1096 retained).
Molecular consequence: synonymous variant. On other transcripts: non-coding transcript variant (1).
Genome position (GRCh38, 1-based): chr19:50,417,911, G>T. VCF-style: chr19-50417911-G-T. GRCh37 (hg19) VCF-style: chr19-50921168-G-T.
Other names: c.3288G>T, p.Leu1096= (NM_001256849.1); c.3366G>T, p.Leu1122= (NM_001308632.1).
Identifiers: ClinVar variation 484371 (VCV000484371.32), dbSNP rs1043079706, ClinGen allele CA309605951.